The following is an entry in ClinVar:

NM_001040108.2(MLH3):c.329C>A (p.Ser110Ter)

Gene: MLH3 (mutL homolog 3; minus strand). Cytogenetic location: 14q24.3.
Variant type: single nucleotide variant.
Coding change: c.329C>A on transcript NM_001040108.2 (MANE Select); coding-DNA position 329, C replaced by A.
Protein change: p.Ser110Ter; replaces serine 110 with a stop codon.
Molecular consequence: nonsense.
Genome position (GRCh38, 1-based): chr14:75,049,327, G>T on the plus strand (C>A on the coding strand, the complement: MLH3 is on the minus strand). VCF-style: chr14-75049327-G-T. GRCh37 (hg19) VCF-style: chr14-75516030-G-T.
Other names: c.329C>A, p.Ser110Ter (NM_014381.3); short protein forms S110*.
Identifiers: ClinVar variation 1729922 (VCV001729922.3), dbSNP rs749113408, ClinGen allele CA390450955.
Genomic context (GRCh38, chr14:75,049,327, plus strand): 5'-AGGGCTTTTCCACTCTGAAACAGTTTCACAAAAGTTTTCATTGTCCTGTTTTTCTTGGAC[G>T]AAATTTCCACAGCACTGGCCATGTCAGCAATATTTGCCAAGGCCTCTCCTCGGAAACCAT-3'

ClinVar aggregate classification (germline): Pathogenic (1 of 4 stars; one submission).

Submission:

Ambry Genetics
Classification: Pathogenic. Last evaluated: 2026-06-08. Review status: criteria provided, single submitter. Criteria: Ambry Variant Classification Scheme 2023. Collection method: clinical testing. Allele origin: germline.
Comment: The p.S110* pathogenic mutation (also known as c.329C>A), located in coding exon 1 of the MLH3 gene, results from a C to A substitution at nucleotide position 329. This changes the amino acid from a serine to a stop codon within coding exon 1. This variant has been identified in the homozygous state and/or in conjunction with other MLH3 variant(s) in individual(s) with features consistent with MLH3-related polyposis (Ambry internal data). This alteration is expected to result in loss of function by premature protein truncation or nonsense-mediated mRNA decay. As such, this alteration is interpreted as a disease-causing mutation.